The following is an entry in ClinVar:

ClinVar aggregate classification (germline): Uncertain significance (1 of 4 stars; one submission).

Allele frequency attached by ClinVar (database versions not stated): TOPMed below 0.00001; gnomAD exomes 0.00001.
gnomAD v4.1: 3 of 1,600,626 alleles (0.00019%); highest among the groups gnomAD compares: East Asian, 0.0045%; no homozygotes.

Submission:

Labcorp Genetics (formerly Invitae), Labcorp
Classification: Uncertain significance. Last evaluated: 2022-11-14. Review status: criteria provided, single submitter. Criteria: Invitae Variant Classification Sherloc (09022015). Collection method: clinical testing. Allele origin: germline.
Comment: Algorithms developed to predict the effect of missense changes on protein structure and function are either unavailable or do not agree on the potential impact of this missense change (SIFT: "Deleterious"; PolyPhen-2: "Benign"; Align-GVGD: "Class C0"). ClinVar contains an entry for this variant (Variation ID: 1383478). This variant has not been reported in the literature in individuals affected with ZNF335-related conditions. This variant is present in population databases (no rsID available, gnomAD 0.01%). This sequence change replaces alanine, which is neutral and non-polar, with valine, which is neutral and non-polar, at codon 13 of the ZNF335 protein (p.Ala13Val). In summary, the available evidence is currently insufficient to determine the role of this variant in disease. Therefore, it has been classified as a Variant of Uncertain Significance.

NM_022095.4(ZNF335):c.38C>T (p.Ala13Val)

Gene: ZNF335 (zinc finger protein 335; minus strand). Cytogenetic location: 20q13.12.
Variant type: single nucleotide variant.
Coding change: c.38C>T on transcript NM_022095.4 (MANE Select); coding-DNA position 38, C replaced by T.
Protein change: p.Ala13Val; replaces alanine 13 with valine.
Molecular consequence: missense variant.
Genome position (GRCh38, 1-based): chr20:45,971,373, G>A on the plus strand (C>T on the coding strand, the complement: ZNF335 is on the minus strand). VCF-style: chr20-45971373-G-A. GRCh37 (hg19) VCF-style: chr20-44600012-G-A.
Other names: short protein forms A13V.
Identifiers: ClinVar variation 1383478 (VCV001383478.6), dbSNP rs1194179892, ClinGen allele CA409199893.
Genomic context (GRCh38, chr20:45,971,373, plus strand): 5'-TCTGAGGTGCCCACACCCAGGCCGCTCTCAGAGGGCTCCTCGGGCCGGCCAGGCCCAGGG[G>A]CCGCGTCGCTGCTGCTCTCCACCTCGTTCTCCTCCATCTGATCGGCGGGCTGCCTGACAG-3'
Protein context (NP_071378.1, residues 3-23): ENEVESSSDA[Ala13Val]PGPGRPEEPS